The following is an entry in ClinVar:

ClinVar aggregate classification (germline): Likely benign. Review status: criteria provided, single submitter (1 of 4 stars). 2 submissions from 2 submitters: Likely benign (1). 1 of the submissions does not count toward it. Last evaluated 2025-03-22.

Conditions:
Familial meningioma. Also called: Meningioma, familial, susceptibility to. Identifiers: Orphanet 263662, MedGen C3551915, MONDO:0011789, OMIM 607174.
FAT3-related disorder. Also called: FAT3-related condition.

Allele frequency attached by ClinVar (database versions not stated): 1000 Genomes Project 0.00020; 1000 Genomes Project 30x 0.00047; TOPMed 0.00127; ESP Exome Variant Server 0.00175; ExAC 0.00225.
gnomAD v4.1: 3,801 of 1,612,822 alleles (0.24%); highest among the groups gnomAD compares: Non-Finnish European, 0.28%; 7 homozygotes.

Submissions (4):

Dr. Guy Rouleau's laboratory, McGill University
Classification: Likely benign for Familial meningioma. Last evaluated: 2025-03-22. Review status: criteria provided, single submitter. Criteria: ACMG Guidelines, 2015. Collection method: research. Allele origin: germline. Affected: yes.
Comment: This missense variant located at the position 3408, is change from an Arginine (R), basic amino acid, to Tryptophan (W), an aromatic amino acid in FAT3 gene. This variant is predicted benign by several bioinformatic tools. This variant has been reported in population database (gnomAD v2.1.1 allele frequency =0.001905, exome coverage 35X).

PreventionGenetics, part of Exact Sciences
Classification: Likely benign for FAT3-related condition. Last evaluated: 2023-07-22. Review status: no assertion criteria provided. Collection method: clinical testing. Allele origin: germline. Not counted in ClinVar's aggregate classification.
Comment: This variant is classified as likely benign based on ACMG/AMP sequence variant interpretation guidelines (Richards et al. 2015 PMID: 25741868, with internal and published modifications).

Dr. Peter K. Rogan Lab, Western University
No classification provided (evidence only). Condition: Sarcoma. Review status: no classification provided. Collection method: in vitro. Allele origin: not applicable. Functional consequence: retained intron. Not counted in ClinVar's aggregate classification.

Dr. Peter K. Rogan Lab, Western University
No classification provided (evidence only). Condition: Gastric cancer. Review status: no classification provided. Collection method: in vitro. Allele origin: not applicable. Functional consequence: retained intron. Not counted in ClinVar's aggregate classification.

NM_001367949.2(FAT3):c.10222C>T (p.Arg3408Trp)

Gene: FAT3 (FAT atypical cadherin 3; plus strand). Cytogenetic location: 11q14.3.
Variant type: single nucleotide variant.
Coding change: c.10222C>T on transcript NM_001367949.2 (MANE Select); coding-DNA position 10222, C replaced by T.
Protein change: p.Arg3408Trp; replaces arginine 3408 with tryptophan.
Molecular consequence: missense variant.
Genome position (GRCh38, 1-based): chr11:92,836,701, C>T. VCF-style: chr11-92836701-C-T. GRCh37 (hg19) VCF-style: chr11-92569867-C-T.
Other names: NC_000011.9:g.92569867C>T; c.10222C>T, p.Arg3408Trp (NM_001008781.3); short protein forms R3408W.
Identifiers: ClinVar variation 3043874 (VCV003043874.4), dbSNP rs200404766, ClinGen allele CA6228019.
Genomic context (GRCh38, chr11:92,836,701, plus strand): 5'-GAATTTACTGTAGATCCTGTCTTGGGACTTGTGAAAGTTAAGAAGAAATTGGACCGGGAA[C>T]GGGTAAGCTAGTTTAGGACAGTTTCCTTCCCATCCACATCCACCACTTTCCTAGAATCAG-3'
Protein context (NP_001354878.1, residues 3398-3418): VKVKKKLDRE[Arg3408Trp]VSGYSLLVQA